The following is an entry in ClinVar:

ClinVar aggregate classification (germline): Uncertain significance (1 of 4 stars; one submission).

Submission:

Labcorp Genetics (formerly Invitae), Labcorp
Classification: Uncertain significance. Last evaluated: 2022-07-12. Review status: criteria provided, single submitter. Criteria: Invitae Variant Classification Sherloc (09022015). Collection method: clinical testing. Allele origin: germline.
Comment: This sequence change replaces alanine, which is neutral and non-polar, with aspartic acid, which is acidic and polar, at codon 571 of the LAMA1 protein (p.Ala571Asp). This variant is not present in population databases (gnomAD no frequency). This variant has not been reported in the literature in individuals affected with LAMA1-related conditions. ClinVar contains an entry for this variant (Variation ID: 1510290). Algorithms developed to predict the effect of missense changes on protein structure and function (SIFT, PolyPhen-2, Align-GVGD) all suggest that this variant is likely to be disruptive. In summary, the available evidence is currently insufficient to determine the role of this variant in disease. Therefore, it has been classified as a Variant of Uncertain Significance.

NM_005559.4(LAMA1):c.1712C>A (p.Ala571Asp)

Gene: LAMA1 (laminin subunit alpha 1; minus strand). Cytogenetic location: 18p11.31.
Variant type: single nucleotide variant.
Coding change: c.1712C>A on transcript NM_005559.4 (MANE Select); coding-DNA position 1712, C replaced by A.
Protein change: p.Ala571Asp; replaces alanine 571 with aspartic acid.
Molecular consequence: missense variant.
Genome position (GRCh38, 1-based): chr18:7,037,603, G>T on the plus strand (C>A on the coding strand, the complement: LAMA1 is on the minus strand). VCF-style: chr18-7037603-G-T. GRCh37 (hg19) VCF-style: chr18-7037602-G-T.
Other names: short protein forms A571D.
Identifiers: ClinVar variation 1510290 (VCV001510290.6), dbSNP rs1568041287, ClinGen allele CA401832112.
Genomic context (GRCh38, chr18:7,037,603, plus strand): 5'-ATCTGAGACATCGCTACCTGCAGGGTCACACGCACCTTATTTCCAAGGTAGGCCTCGGGG[G>T]CTGCCCAGTAGTACTTGGGAGCCAGTCTCTGCATGACCGCGGTGTTGTTGATGCTGACCT-3'
Protein context (NP_005550.2, residues 561-581): QRLAPKYYWA[Ala571Asp]PEAYLGNKLT